The following is an entry in ClinVar:

NC_000005.10:g.111092339G>A

Genes: WDR36 (WD repeat domain 36; plus strand), LOC129994346 (ATAC-STARR-seq lymphoblastoid active region 22888; plus strand). Cytogenetic location: 5q22.1.
Variant type: single nucleotide variant.
Genome position: GRCh38 VCF-style: chr5-111092339-G-A. GRCh37 (hg19) VCF-style: chr5-110428037-G-A.
Identifiers: ClinVar variation 350296 (VCV000350296.13), dbSNP rs148831021, ClinGen allele CA3365069.

ClinVar aggregate classification (germline): Benign/Likely benign. Review status: criteria provided, multiple submitters, no conflicts (2 of 4 stars). 3 submissions from 3 submitters: Benign (1); Likely benign (2). Last evaluated 2024-10-08.

Allele frequency attached by ClinVar (database versions not stated): ExAC 0.00070; 1000 Genomes Project 0.00220; gnomAD exomes 0.00064 and 0.00029; ESP Exome Variant Server 0.00261; 1000 Genomes Project 30x 0.00234; gnomAD 0.00238 and 0.00251; TOPMed 0.00277.

Submissions (3):

Labcorp Genetics (formerly Invitae), Labcorp
Classification: Benign. Last evaluated: 2024-10-08. Review status: criteria provided, single submitter. Criteria: Invitae Variant Classification Sherloc (09022015). Collection method: clinical testing. Allele origin: germline.

Blueprint Genetics
Classification: Likely benign. Last evaluated: 2024-06-04. Review status: criteria provided, single submitter. Criteria: ACMG Guidelines, 2015. Collection method: clinical testing. Allele origin: germline.

GeneDx
Classification: Likely benign. Last evaluated: 2019-06-13. Review status: criteria provided, single submitter. Criteria: GeneDx Variant Classification Process June 2021. Collection method: clinical testing. Allele origin: germline. Affected: yes.
Comment: In silico analysis, which includes splice predictors and evolutionary conservation, supports that this variant does not alter protein structure/function; Has not been previously published as pathogenic or benign to our knowledge